The following is an entry in ClinVar:

ClinVar aggregate classification (germline): Uncertain significance (1 of 4 stars; one submission).

Submission:

GeneDx
Classification: Uncertain significance. Last evaluated: 2023-12-04. Review status: criteria provided, single submitter. Criteria: GeneDx Variant Classification Process June 2021. Collection method: clinical testing. Allele origin: germline. Affected: yes.
Comment: Not observed at significant frequency in large population cohorts (gnomAD); In silico analysis supports that this missense variant does not alter protein structure/function; Has not been previously published as pathogenic or benign to our knowledge

NM_015001.3(SPEN):c.10177A>C (p.Lys3393Gln)

Gene: SPEN (spen family transcriptional repressor; plus strand). Cytogenetic location: 1p36.13.
Variant type: single nucleotide variant.
Coding change: c.10177A>C on transcript NM_015001.3 (MANE Select); coding-DNA position 10177, A replaced by C.
Protein change: p.Lys3393Gln; replaces lysine 3393 with glutamine.
Molecular consequence: missense variant.
Genome position (GRCh38, 1-based): chr1:15,937,313, A>C. VCF-style: chr1-15937313-A-C. GRCh37 (hg19) VCF-style: chr1-16263808-A-C.
Other names: short protein forms K3393Q.
Identifiers: ClinVar variation 3365304 (VCV003365304.1).